The following is an entry in ClinVar:

ClinVar aggregate classification (germline): Uncertain significance (1 of 4 stars; one submission).

Conditions:
Charcot-Marie-Tooth disease type 2. Also called: Charcot-Marie-Tooth type 2. Identifiers: Orphanet 64746, MedGen C0270914, MONDO:0018993.

Submission:

Labcorp Genetics (formerly Invitae), Labcorp
Classification: Uncertain significance for Charcot-Marie-Tooth disease type 2. Last evaluated: 2025-03-23. Review status: criteria provided, single submitter. Criteria: Invitae Variant Classification Sherloc (09022015). Collection method: clinical testing. Allele origin: germline.
Comment: This sequence change creates a premature translational stop signal (p.Asp627Glyfs*36) in the KIF1B gene. It is expected to result in an absent or disrupted protein product. However, the current clinical and genetic evidence is not sufficient to establish whether loss-of-function variants in KIF1B cause disease. This variant is not present in population databases (gnomAD no frequency). This variant has not been reported in the literature in individuals affected with KIF1B-related conditions. In summary, the available evidence is currently insufficient to determine the role of this variant in disease. Therefore, it has been classified as a Variant of Uncertain Significance.

NM_001365951.3(KIF1B):c.2017dup (p.Asp673fs)

Gene: KIF1B (kinesin family member 1B; plus strand). Cytogenetic location: 1p36.22.
Variant type: Duplication.
Coding change: c.2017dup on transcript NM_001365951.3 (MANE Select); coding-DNA position 2017, one base duplicated (G; older notation c.2017dupG).
Protein change: p.Asp673fs; shifts the reading frame from aspartic acid 673.
Molecular consequence: frameshift variant.
Genome position (GRCh38, 1-based): chr1:10,297,052, G duplicated. VCF-style (leftmost placement, unchanged base first): chr1-10297051-T-TG. GRCh37 (hg19) VCF-style: chr1-10357109-T-TG.
Other names: c.2017dup, p.Asp673fs (NM_001365952.1); c.1879dup, p.Asp627fs (NM_001365953.1, NM_015074.3, NM_183416.4); short protein forms D627fs, D673fs.
Identifiers: ClinVar variation 4715729 (VCV004715729.1).